The following is an entry in ClinVar:

NM_004982.4(KCNJ8):c.632G>A (p.Arg211Gln)

Genes: KCNJ8 (potassium inwardly rectifying channel subfamily J member 8; minus strand), KCNJ8-AS1 (KCNJ8 antisense RNA 1; plus strand). Cytogenetic location: 12p12.1.
Variant type: single nucleotide variant.
Coding change: c.632G>A on transcript NM_004982.4 (MANE Select); coding-DNA position 632, G replaced by A.
Protein change: p.Arg211Gln; replaces arginine 211 with glutamine.
Molecular consequence: missense variant.
Genome position (GRCh38, 1-based): chr12:21,766,366, C>T on the plus strand (G>A on the coding strand, the complement: KCNJ8 is on the minus strand). VCF-style: chr12-21766366-C-T. GRCh37 (hg19) VCF-style: chr12-21919300-C-T.
Other names: short protein forms R211Q.
Identifiers: ClinVar variation 4041681 (VCV004041681.1).

ClinVar aggregate classification (germline): Uncertain significance (1 of 4 stars; one submission).

Conditions:
Cardiovascular phenotype. Identifiers: MedGen CN230736.

Submission:

Ambry Genetics
Classification: Uncertain significance for Cardiovascular phenotype. Last evaluated: 2025-05-05. Review status: criteria provided, single submitter. Criteria: Ambry Variant Classification Scheme 2023. Collection method: clinical testing. Allele origin: germline.
Comment: The p.R211Q variant (also known as c.632G>A), located in coding exon 2 of the KCNJ8 gene, results from a G to A substitution at nucleotide position 632. The arginine at codon 211 is replaced by glutamine, an amino acid with highly similar properties. This amino acid position is conserved. In addition, this alteration is predicted to be deleterious by in silico analysis. Based on the available evidence, the clinical significance of this variant remains unclear.